The following is an entry in ClinVar:

NM_002880.4(RAF1):c.294_295dup (p.Phe99fs)

Gene: RAF1 (Raf-1 proto-oncogene, serine/threonine kinase; minus strand). Cytogenetic location: 3p25.2.
Variant type: Microsatellite.
Coding change: c.294_295dup on transcript NM_002880.4 (MANE Select); coding-DNA positions 294 to 295, 2 bases duplicated (GT; older notation c.294_295dupGT).
Protein change: p.Phe99fs; shifts the reading frame from phenylalanine 99.
Molecular consequence: frameshift variant. On other transcripts: non-coding transcript variant (3), intron variant (4).
Genome position (GRCh38, 1-based): chr3:12,611,975-12,611,976, AC duplicated on the plus strand (GT on the coding strand, the reverse complement: RAF1 is on the minus strand); duplicating any 2 consecutive bases within chr3:12,611,975-12,611,978 gives the same sequence; the c. name uses the placement nearest the transcript's 3' end. VCF-style (leftmost placement, unchanged base first): chr3-12611974-A-AAC. GRCh37 (hg19) VCF-style: chr3-12653473-A-AAC.
Other names: c.294_295dup, p.Phe99fs (NM_001354689.3, NM_001354690.3, NM_001354693.3); c.78-2643GT[3] (NM_001354695.3, NM_001354692.3, NM_001354694.3 and 1 more transcripts); short protein forms F99fs.
Identifiers: ClinVar variation 2032882 (VCV002032882.4), dbSNP rs2470403638, ClinGen allele CA2580614144.

ClinVar aggregate classification (germline): Uncertain significance (1 of 4 stars; one submission).

Conditions:
RASopathy. Also called: Noonan spectrum disorder; rasopathies. Identifiers: Orphanet 536391, MedGen C5555857, MONDO:0021060.

Submission:

Labcorp Genetics (formerly Invitae), Labcorp
Classification: Uncertain significance for RASopathy. Last evaluated: 2022-09-27. Review status: criteria provided, single submitter. Criteria: Invitae Variant Classification Sherloc (09022015). Collection method: clinical testing. Allele origin: germline.
Comment: This sequence change creates a premature translational stop signal (p.Phe99Cysfs*15) in the RAF1 gene. It is expected to result in an absent or disrupted protein product. However, the current clinical and genetic evidence is not sufficient to establish whether loss-of-function variants in RAF1 cause disease. This variant is not present in population databases (gnomAD no frequency). This variant has not been reported in the literature in individuals affected with RAF1-related conditions. In summary, the available evidence is currently insufficient to determine the role of this variant in disease. Therefore, it has been classified as a Variant of Uncertain Significance.